The following is an entry in ClinVar:

ClinVar aggregate classification (germline): Uncertain significance (1 of 4 stars; one submission).

Conditions:
Gingival disorder. Also called: Gingival disease. Identifiers: MedGen C0017563, MONDO:0002021.

Submission:

Labcorp Genetics (formerly Invitae), Labcorp
Classification: Uncertain significance for Gingival disorder. Last evaluated: 2025-06-15. Review status: criteria provided, single submitter. Criteria: Invitae Variant Classification Sherloc (09022015). Collection method: clinical testing. Allele origin: germline.
Comment: This sequence change replaces alanine, which is neutral and non-polar, with aspartic acid, which is acidic and polar, at codon 142 of the FPR1 protein (p.Ala142Asp). This variant is not present in population databases (gnomAD no frequency). This variant has not been reported in the literature in individuals affected with FPR1-related conditions. An algorithm developed to predict the effect of missense changes on protein structure and function (PolyPhen-2) suggests that this variant is likely to be disruptive. In summary, the available evidence is currently insufficient to determine the role of this variant in disease. Therefore, it has been classified as a Variant of Uncertain Significance.

NM_002029.4(FPR1):c.425C>A (p.Ala142Asp)

Gene: FPR1 (formyl peptide receptor 1; minus strand). Cytogenetic location: 19q13.41.
Variant type: single nucleotide variant.
Coding change: c.425C>A on transcript NM_002029.4 (MANE Select); coding-DNA position 425, C replaced by A.
Protein change: p.Ala142Asp; replaces alanine 142 with aspartic acid.
Molecular consequence: missense variant.
Genome position (GRCh38, 1-based): chr19:51,746,570, G>T on the plus strand (C>A on the coding strand, the complement: FPR1 is on the minus strand). VCF-style: chr19-51746570-G-T. GRCh37 (hg19) VCF-style: chr19-52249823-G-T.
Other names: c.425C>A, p.Ala142Asp (NM_001193306.2); short protein forms A142D.
Identifiers: ClinVar variation 4721482 (VCV004721482.1).